The following is an entry in ClinVar:

NM_001035.2(RYR2):c.(?_169)_(273_?)del (p.(?))

Gene: RYR2 (ryanodine receptor 2; plus strand). Cytogenetic location: 1q43.
Variant type: Deletion.
Identifiers: ClinVar variation 989470 (VCV000989470.2).

ClinVar aggregate classification (germline): Pathogenic (1 of 4 stars; one submission).

Conditions:
Catecholaminergic polymorphic ventricular tachycardia (CVPT). Also called: Catecholamine-induced polymorphic ventricular tachycardia. Identifiers: Orphanet 3286, MedGen C5574922, MONDO:0017990.

Submission:

Labcorp Genetics (formerly Invitae), Labcorp
Classification: Pathogenic for Catecholaminergic polymorphic ventricular tachycardia 1. Last evaluated: 2017-01-16. Review status: criteria provided, single submitter. Criteria: Invitae Variant Classification Sherloc (09022015). Collection method: clinical testing. Allele origin: germline.
Comment: This variant is a gross deletion of the genomic region encompassing exon 3 of the RYR2 gene. This leads to an in-frame deletion, preserving the integrity of the reading frame. Deletions that encompass exon 3 of the RYR2 gene have been reported in the literature in individuals affected with noncompaction cardiomyopathy and catecholaminergic polymorphic ventricular tachycardia and have been shown to segregate with the disease in the families analyzed (PMID: 17875969, 19216760, 19926015, 23479668, 24394973, 25835811, 26018045). Experimental studies have shown that this in-frame deletion changes the channel properties of RYR2 by markedly reducing the luminal Ca2+ threshold at which Ca2+ release terminates (PMID: 22374134). For these reasons, this variant has been classified as Pathogenic.